The following is an entry in ClinVar:

NM_031935.3(HMCN1):c.14767A>G (p.Met4923Val)

Gene: HMCN1 (hemicentin 1; plus strand). Cytogenetic location: 1q31.1.
Variant type: single nucleotide variant.
Coding change: c.14767A>G on transcript NM_031935.3 (MANE Select); coding-DNA position 14767, A replaced by G.
Protein change: p.Met4923Val; replaces methionine 4923 with valine.
Molecular consequence: missense variant.
Genome position (GRCh38, 1-based): chr1:186,151,614, A>G. VCF-style: chr1-186151614-A-G. GRCh37 (hg19) VCF-style: chr1-186120746-A-G.
Other names: c.14767A>G (NM_031935.2); short protein forms M4923V.
Identifiers: ClinVar variation 2898852 (VCV002898852.4), dbSNP rs778809516, ClinGen allele CA1295069.

ClinVar aggregate classification (germline): Uncertain significance. Review status: criteria provided, multiple submitters, no conflicts (2 of 4 stars). 2 submissions from 2 submitters: Uncertain significance (2). Last evaluated 2025-11-23.

Allele frequency attached by ClinVar (database versions not stated): gnomAD 0.00006; TOPMed 0.00006.
gnomAD v4.1: 94 of 1,612,386 alleles (0.0058%); highest among the groups gnomAD compares: Non-Finnish European, 0.0074%; 1 homozygote.

Submissions (2):

Labcorp Genetics (formerly Invitae), Labcorp
Classification: Uncertain significance. Last evaluated: 2025-11-23. Review status: criteria provided, single submitter. Criteria: Invitae Variant Classification Sherloc (09022015). Collection method: clinical testing. Allele origin: germline.
Comment: This sequence change replaces methionine, which is neutral and non-polar, with valine, which is neutral and non-polar, at codon 4923 of the HMCN1 protein (p.Met4923Val). This variant is present in population databases (rs778809516, gnomAD 0.004%). This variant has not been reported in the literature in individuals affected with HMCN1-related conditions. ClinVar contains an entry for this variant (Variation ID: 2898852). An algorithm developed to predict the effect of missense changes on protein structure and function (PolyPhen-2) suggests that this variant is likely to be disruptive. In summary, the available evidence is currently insufficient to determine the role of this variant in disease. Therefore, it has been classified as a Variant of Uncertain Significance.

Ambry Genetics
Classification: Uncertain significance. Last evaluated: 2025-01-29. Review status: criteria provided, single submitter. Criteria: Ambry Variant Classification Scheme 2023. Collection method: clinical testing. Allele origin: germline.